The following is an entry in ClinVar:

ClinVar aggregate classification (germline): Uncertain significance (1 of 4 stars; one submission).

Conditions:
Kartagener syndrome (CILD1). Also called: Dextrocardia bronchiectasis and sinusitis; SIEWERT SYNDROME; CILIARY DYSKINESIA, PRIMARY, 1; CILIARY DYSKINESIA, PRIMARY, 1, WITH OR WITHOUT SITUS INVERSUS; IMMOTILE CILIA SYNDROME; POLYNESIAN BRONCHIECTASIS. Identifiers: Orphanet 244, MedGen C4551906, MONDO:0009484, OMIM 244400.

Allele frequency attached by ClinVar (database versions not stated): gnomAD 0.00001 and 0.00004; TOPMed 0.00001; gnomAD exomes 0.00003 and 0.00012; ExAC 0.00005; 1000 Genomes Project 30x 0.00016; 1000 Genomes Project 0.00020.
gnomAD v4.1: 171 of 1,551,646 alleles (0.011%); highest among the groups gnomAD compares: East Asian, 0.42%; no homozygotes.

Submission:

Illumina Laboratory Services, Illumina
Classification: Uncertain significance for Kartagener syndrome. Last evaluated: 2017-04-27. Review status: criteria provided, single submitter. Criteria: ICSL Variant Classification Criteria 13 December 2019. Collection method: clinical testing. Allele origin: germline.
Comment: This variant was observed as part of a predisposition screen in an ostensibly healthy population. A literature search was performed for the gene, cDNA change, and amino acid change (where applicable). Publications were found based on this search. However, the evidence from the literature, in combination with allele frequency data from public databases where available, was not sufficient to rule this variant in or out of causing disease. Therefore, this variant is classified as a variant of unknown significance.

Literature cited by the submitters: PubMed 22416021; PubMed 24912412.

NM_012144.4(DNAI1):c.2029G>A (p.Gly677Ser)

Gene: DNAI1 (dynein axonemal intermediate chain 1; plus strand). Cytogenetic location: 9p13.3.
Variant type: single nucleotide variant.
Coding change: c.2029G>A on transcript NM_012144.4 (MANE Select); coding-DNA position 2029, G replaced by A.
Protein change: p.Gly677Ser; replaces glycine 677 with serine.
Molecular consequence: missense variant.
Genome position (GRCh38, 1-based): chr9:34,520,685, G>A. VCF-style: chr9-34520685-G-A. GRCh37 (hg19) VCF-style: chr9-34520683-G-A.
Other names: c.2041G>A, p.Gly681Ser (NM_001281428.2); short protein forms G677S, G681S.
Identifiers: ClinVar variation 912554 (VCV000912554.4), dbSNP rs556105721, ClinGen allele CA5034613.
Genomic context (GRCh38, chr9:34,520,685, plus strand): 5'-TTCCTCCCTCATGTATACTTTCCCTCTCCCCAGGAAAAGAAGGGGCAGGAGGTGCAGAAG[G>A]GTCCAGCTGTGGAGATTGCGAAACTGGACAAACTGCTGAACCTGGTGAGGGAAGTGAAAA-3'
Protein context (NP_036276.1, residues 667-687): KEKKGQEVQK[Gly677Ser]PAVEIAKLDK